The following is an entry in ClinVar:

ClinVar aggregate classification (germline): Uncertain significance. Review status: criteria provided, multiple submitters, no conflicts (2 of 4 stars). 2 submissions from 2 submitters: Uncertain significance (2). Last evaluated 2024-12-20.

Conditions:
Hereditary cancer-predisposing syndrome. Also called: Neoplastic Syndromes, Hereditary; Hereditary neoplastic syndrome; Tumor predisposition; Hereditary Cancer Syndrome. Identifiers: Orphanet 140162, MedGen C0027672, MeSH D009386, MONDO:0015356.
Renal cell carcinoma. Identifiers: Orphanet 217071, MedGen C0007134, MeSH D002292, MONDO:0005086, HP:0005584.

Allele frequency attached by ClinVar (database versions not stated): gnomAD exomes below 0.00001.
gnomAD v4.1: 1 of 1,613,882 alleles (0.000062%); no homozygotes.

Submissions (2):

Ambry Genetics
Classification: Uncertain significance for Hereditary cancer-predisposing syndrome. Last evaluated: 2024-12-20. Review status: criteria provided, single submitter. Criteria: Ambry Variant Classification Scheme 2023. Collection method: clinical testing. Allele origin: germline.
Comment: The p.R1000S variant (also known as c.3000G>C), located in coding exon 13 of the MET gene, results from a G to C substitution at nucleotide position 3000. The arginine at codon 1000 is replaced by serine, an amino acid with dissimilar properties. This amino acid position is highly conserved in available vertebrate species. In addition, this alteration is predicted to be deleterious by in silico analysis. Based on the available evidence, the clinical significance of this variant remains unclear.

Labcorp Genetics (formerly Invitae), Labcorp
Classification: Uncertain significance for Renal cell carcinoma. Last evaluated: 2017-08-30. Review status: criteria provided, single submitter. Criteria: Invitae Variant Classification Sherloc (09022015). Collection method: clinical testing. Allele origin: germline.
Comment: This variant is not present in population databases (ExAC no frequency). In summary, the available evidence is currently insufficient to determine the role of this variant in disease. Therefore, it has been classified as a Variant of Uncertain Significance. Algorithms developed to predict the effect of missense changes on protein structure and function do not agree on the potential impact of this missense change (SIFT: "Deleterious"; PolyPhen-2: "Probably Damaging"; Align-GVGD: "Class C0"). This variant has not been reported in the literature in individuals with MET-related disease. This sequence change replaces arginine with serine at codon 1000 of the MET protein (p.Arg1000Ser). The arginine residue is highly conserved and there is a moderate physicochemical difference between arginine and serine.

NM_000245.4(MET):c.2946G>C (p.Arg982Ser)

Gene: MET (MET proto-oncogene, receptor tyrosine kinase; plus strand). Cytogenetic location: 7q31.2.
Variant type: single nucleotide variant.
Coding change: c.2946G>C on transcript NM_000245.4 (MANE Select); coding-DNA position 2946, G replaced by C.
Protein change: p.Arg982Ser; replaces arginine 982 with serine.
Molecular consequence: missense variant.
Genome position (GRCh38, 1-based): chr7:116,771,907, G>C. VCF-style: chr7-116771907-G-C. GRCh37 (hg19) VCF-style: chr7-116411961-G-C.
Other names: c.3000G>C (LRG_662t1); c.3000G>C, p.Arg1000Ser (NM_001127500.3); c.1656G>C, p.Arg552Ser (NM_001324402.2); short protein forms R1000S, R552S, R982S.
Identifiers: ClinVar variation 524861 (VCV000524861.13), dbSNP rs1554398390, ClinGen allele CA368987154.